The following is an entry in ClinVar:

NM_001164508.2(NEB):c.8435G>T (p.Arg2812Leu)

Gene: NEB (nebulin; minus strand). Cytogenetic location: 2q23.3.
Variant type: single nucleotide variant.
Coding change: c.8435G>T on transcript NM_001164508.2 (MANE Select); coding-DNA position 8435, G replaced by T.
Protein change: p.Arg2812Leu; replaces arginine 2812 with leucine.
Molecular consequence: missense variant.
Genome position (GRCh38, 1-based): chr2:151,640,605, C>A on the plus strand (G>T on the coding strand, the complement: NEB is on the minus strand). VCF-style: chr2-151640605-C-A. GRCh37 (hg19) VCF-style: chr2-152497119-C-A.
Other names: c.8435G>T, p.Arg2812Leu (NM_001164507.2, NM_001271208.2, NM_004543.5); short protein forms R2812L.
Identifiers: ClinVar variation 4989716 (VCV004989716.1).

ClinVar aggregate classification (germline): Uncertain significance (1 of 4 stars; one submission).

Conditions:
NEB-related disorder. Also called: NEB-Related Disorders; NEB-related condition.

gnomAD v4.1: 44 of 1,613,780 alleles (0.0027%); highest among the groups gnomAD compares: Non-Finnish European, 0.0036%; no homozygotes.

Submission:

PreventionGenetics, part of Exact Sciences
Classification: Uncertain significance for NEB-related condition. Last evaluated: 2025-02-01. Review status: criteria provided, single submitter. Criteria: ACMG Guidelines, 2015. Collection method: clinical testing. Allele origin: germline.
Comment: The NEB c.8435G>T variant is predicted to result in the amino acid substitution p.Arg2812Leu. To our knowledge, this variant has not been reported in the literature. This variant is reported in 0.0027% of alleles in individuals of European (Non-Finnish) descent in gnomAD. At this time, the clinical significance of this variant is uncertain due to the absence of conclusive functional and genetic evidence.